The following is an entry in ClinVar:

ClinVar aggregate classification (germline): Conflicting classifications of pathogenicity. Review status: criteria provided, conflicting classifications (1 of 4 stars). 12 submissions from 12 submitters: Uncertain significance (9); Likely benign (3). Last evaluated 2026-06-09.

Conditions:
Familial cancer of breast. Also called: hereditary breast carcinoma; BREAST CANCER, FAMILIAL; Hereditary breast cancer. Identifiers: Orphanet 227535, MedGen C0346153, MONDO:0016419, OMIM 114480. Disease mechanism: loss of function.
Ataxia-telangiectasia syndrome (AT). Also called: ATAXIA-TELANGIECTASIA, COMPLEMENTATION GROUP A; ATAXIA-TELANGIECTASIA, FRESNO VARIANT; Ataxia-telangiectasia; Ataxia-telangiectasia, complementation group E; Cerebello-oculocutaneous telangiectasia; Immunodeficiency with ataxia telangiectasia. Identifiers: Orphanet 100, MedGen C0004135, MONDO:0008840, OMIM 208900.
Breast and/or ovarian cancer. Identifiers: MedGen CN221562.
Hereditary cancer-predisposing syndrome. Also called: Hereditary Cancer Syndrome; Tumor predisposition; Neoplastic Syndromes, Hereditary; Hereditary neoplastic syndrome. Identifiers: Orphanet 140162, MedGen C0027672, MeSH D009386, MONDO:0015356.
Hereditary breast ovarian cancer syndrome. Also called: Hereditary breast and ovarian cancer syndrome; Hereditary breast and ovarian cancer syndrome (HBOC); Hereditary breast and ovarian cancer; Hereditary breast and/or ovarian cancer syndrome; BRCA1- and BRCA2-Associated Hereditary Breast and Ovarian Cancer; Breast and ovarian cancer. Identifiers: Orphanet 145, MedGen C0677776, MeSH D061325, MONDO:0003582. Disease mechanism: loss of function.

Allele frequency attached by ClinVar (database versions not stated): gnomAD exomes 0.00001; ESP Exome Variant Server 0.00008; TOPMed below 0.00001; ExAC 0.00001.
gnomAD v4.1: 16 of 1,614,186 alleles (0.00099%); highest among the groups gnomAD compares: Non-Finnish European, 0.0012%; no homozygotes.

Submissions (12):

German Consortium for Hereditary Breast and Ovarian Cancer, University Hospital Cologne
Classification: Likely benign for Hereditary breast ovarian cancer syndrome. Last evaluated: 2026-06-09. Review status: criteria provided, single submitter. Criteria: ClinGen ATM V1.5.0. Collection method: curation. Allele origin: germline.
Comment: This classification follows the ClinGen ACMG ATM v1.5.0 classification scheme; We chose these criteria: BP4 (supporting benign): REVEL 0.049, SpliceAI < 0.01, BS3 (medium benign): Hanenberg (2025, PMID: 40105422) & Lee (2025, PMID: 40580951) FUNCTIONAL

CeGaT Center for Human Genetics Tuebingen
Classification: Uncertain significance. Last evaluated: 2025-10-01. Review status: criteria provided, single submitter. Criteria: CeGaT Center For Human Genetics Tuebingen Variant Classification Criteria Version 2. Collection method: clinical testing. Allele origin: germline. Affected: yes. Observed: 1 variant allele.

Color Diagnostics, LLC DBA Color Health
Classification: Likely benign for Hereditary cancer-predisposing syndrome. Last evaluated: 2025-06-23. Review status: criteria provided, single submitter. Criteria: ACMG Guidelines, 2015. Collection method: clinical testing. Allele origin: germline.

Ambry Genetics
Classification: Likely benign for Hereditary cancer-predisposing syndrome. Last evaluated: 2025-03-04. Review status: criteria provided, single submitter. Criteria: Ambry Variant Classification Scheme 2023. Collection method: clinical testing. Allele origin: germline.

Labcorp Genetics (formerly Invitae), Labcorp
Classification: Uncertain significance for Ataxia-telangiectasia syndrome. Last evaluated: 2024-12-31. Review status: criteria provided, single submitter. Criteria: Invitae Variant Classification Sherloc (09022015). Collection method: clinical testing. Allele origin: germline.
Comment: This sequence change replaces leucine, which is neutral and non-polar, with isoleucine, which is neutral and non-polar, at codon 2995 of the ATM protein (p.Leu2995Ile). This variant is present in population databases (rs142322668, gnomAD 0.002%). This missense change has been observed in individual(s) with personal and/or family history of cancer (PMID: 34130653, 34284872). ClinVar contains an entry for this variant (Variation ID: 184922). Invitae Evidence Modeling of protein sequence and biophysical properties (such as structural, functional, and spatial information, amino acid conservation, physicochemical variation, residue mobility, and thermodynamic stability) indicates that this missense variant is not expected to disrupt ATM protein function with a negative predictive value of 95%. In summary, the available evidence is currently insufficient to determine the role of this variant in disease. Therefore, it has been classified as a Variant of Uncertain Significance.

Blueprint Genetics
Classification: Uncertain significance. Last evaluated: 2024-11-05. Review status: criteria provided, single submitter. Criteria: ACMG Guidelines, 2015. Collection method: clinical testing. Allele origin: germline.

Baylor Genetics
Classification: Uncertain significance for Familial cancer of breast. Last evaluated: 2023-10-16. Review status: criteria provided, single submitter. Criteria: ACMG Guidelines, 2015. Collection method: clinical testing. Allele origin: unknown.

GeneDx
Classification: Uncertain significance. Last evaluated: 2023-09-26. Review status: criteria provided, single submitter. Criteria: GeneDx Variant Classification Process June 2021. Collection method: clinical testing. Allele origin: germline. Affected: yes.
Comment: Not observed at significant frequency in large population cohorts (gnomAD); In silico analysis supports that this missense variant does not alter protein structure/function; Identified in individuals with breast cancer, one of whom also had thyroid cancer and harbored a pathogenic BRCA2 variant (Dorling et al., 2021; Bakos et al., 2021); This variant is associated with the following publications: (PMID: 27997549, 27363283, 34130653, 33471991, 23532176, 34284872)

CHEO Genetics Diagnostic Laboratory, Children's Hospital of Eastern Ontario
Classification: Uncertain significance for Breast and/or ovarian cancer. Last evaluated: 2023-05-26. Review status: criteria provided, single submitter. Criteria: ACMG Guidelines, 2015. Collection method: clinical testing. Allele origin: germline.

MGZ Medical Genetics Center
Classification: Uncertain significance for Familial cancer of breast. Last evaluated: 2021-12-10. Review status: criteria provided, single submitter. Criteria: ACMG Guidelines, 2015. Collection method: clinical testing. Allele origin: germline. Affected: yes. Observed: 1 variant allele.
Comment: ACMG criteria applied: PM2_SUP, BP4

Sema4
Classification: Uncertain significance for Hereditary cancer-predisposing syndrome. Last evaluated: 2021-10-08. Review status: criteria provided, single submitter. Criteria: Sema4 Curation Guidelines. Collection method: curation. Allele origin: germline.
Comment: The ATM c.8983C>A (p.L2995I) variant has been reported in 1 individual with a history of breast and thyroid cancer, but this patient also has pathogenic variant in BRCA2 gene (PMID: 34130653). It is reported in 2/60,466 women with breast cancer and 5/53,461 controls, however the data is insufficient to establish association of the variant with the disease (PMID 33471991). This variant was observed in 2/113682 chromosomes in the Non-Finnish European population according to the Genome Aggregation Database (PMID: 32461654). This variant has been reported in ClinVar (Variation ID 184922). In silico tools suggest the impact of the variant on protein function is benign, though these predictions have not been confirmed by functional studies. The overall evidence is insufficient to meet ACMG/AMP criteria for classifying it as benign or pathogenic. In summary, the clinical significance of this variant is currently uncertain.

Illumina Laboratory Services, Illumina
Classification: Uncertain significance for Ataxia-telangiectasia syndrome. Last evaluated: 2018-01-12. Review status: criteria provided, single submitter. Criteria: ICSL Variant Classification Criteria 13 December 2019. Collection method: clinical testing. Allele origin: germline.

Literature cited by the submitters: PubMed 34130653 (cited by Labcorp Genetics (formerly Invitae), Labcorp and Sema4); PubMed 34284872 (cited by Labcorp Genetics (formerly Invitae), Labcorp); PubMed 33471991 (cited by Sema4).

NM_000051.4(ATM):c.8983C>A (p.Leu2995Ile)

Genes: ATM (ATM serine/threonine kinase; plus strand), C11orf65 (chromosome 11 open reading frame 65; minus strand). Cytogenetic location: 11q22.3.
Variant type: single nucleotide variant.
Coding change: c.8983C>A on transcript NM_000051.4 (MANE Select); coding-DNA position 8983, C replaced by A.
Protein change: p.Leu2995Ile; replaces leucine 2995 with isoleucine.
Molecular consequence: missense variant. On other transcripts: intron variant (2).
Genome position (GRCh38, 1-based): chr11:108,365,214, C>A. VCF-style: chr11-108365214-C-A. GRCh37 (hg19) VCF-style: chr11-108235941-C-A.
Other names: c.8983C>A, p.Leu2995Ile (NM_001351834.2); c.640+20706G>T (NM_001330368.2); c.694+20706G>T (NM_001351110.2); short protein forms L2995I.
Identifiers: ClinVar variation 184922 (VCV000184922.41), dbSNP rs142322668, ClinGen allele CA190478.